The following is an entry in ClinVar:

ClinVar aggregate classification (germline): Uncertain significance (1 of 4 stars; one submission).

Submission:

Ambry Genetics
Classification: Uncertain significance. Last evaluated: 2022-05-09. Review status: criteria provided, single submitter. Criteria: Ambry Variant Classification Scheme 2023. Collection method: clinical testing. Allele origin: germline.
Comment: The p.M971K variant (also known as c.2912T>A), located in coding exon 15 of the NPAT gene, results from a T to A substitution at nucleotide position 2912. The methionine at codon 971 is replaced by lysine, an amino acid with similar properties. This amino acid position is conserved. In addition, this alteration is predicted to be tolerated by in silico analysis. Since supporting evidence is limited at this time, the clinical significance of this alteration remains unclear.

NM_002519.3(NPAT):c.2912T>A (p.Met971Lys)

Gene: NPAT (nuclear protein, coactivator of histone transcription; minus strand). Cytogenetic location: 11q22.3.
Variant type: single nucleotide variant.
Coding change: c.2912T>A on transcript NM_002519.3 (MANE Select); coding-DNA position 2912, T replaced by A.
Protein change: p.Met971Lys; replaces methionine 971 with lysine.
Molecular consequence: missense variant.
Genome position (GRCh38, 1-based): chr11:108,169,842, A>T on the plus strand (T>A on the coding strand, the complement: NPAT is on the minus strand). VCF-style: chr11-108169842-A-T. GRCh37 (hg19) VCF-style: chr11-108040569-A-T.
Other names: c.2912T>A, p.Met971Lys (NM_001321307.1); short protein forms M971K.
Identifiers: ClinVar variation 1797597 (VCV001797597.2), dbSNP rs530682216, ClinGen allele CA382511961.